The following is an entry in ClinVar:

NM_006016.6(CD164):c.175+80C>T

Genes: CD164 (CD164 molecule; minus strand), LOC129996957 (ATAC-STARR-seq lymphoblastoid silent region 17458; plus strand). Cytogenetic location: 6q21.
Variant type: single nucleotide variant.
Coding change: c.175+80C>T on transcript NM_006016.6 (MANE Select); 80 bases into the intron after coding-DNA position 175, C replaced by T.
Molecular consequence: intron variant.
Genome position (GRCh38, 1-based): chr6:109,382,124, G>A on the plus strand (C>T on the coding strand, the complement: CD164 is on the minus strand). VCF-style: chr6-109382124-G-A. GRCh37 (hg19) VCF-style: chr6-109703327-G-A.
Other names: c.175+80C>T (NM_001142401.3, NM_001142402.3, NM_001142404.3 and 1 more transcripts).
Identifiers: ClinVar variation 682716 (VCV000682716.2), dbSNP rs4313033, ClinGen allele CA12245967.

ClinVar aggregate classification (germline): Likely benign. Review status: criteria provided, multiple submitters, no conflicts (2 of 4 stars). 2 submissions from 2 submitters: Likely benign (2). Last evaluated 2018-06-14.

Allele frequency attached by ClinVar (database versions not stated): gnomAD 0.04015; TOPMed 0.04541; 1000 Genomes Project 30x 0.05169; 1000 Genomes Project 0.05292; gnomAD exomes 0.05461.
gnomAD v4.1: 66,528 of 1,245,258 alleles (5.3%); highest among the groups gnomAD compares: South Asian, 9.8%; 1,941 homozygotes.

Submissions (2):

GeneDx
Classification: Likely benign. Last evaluated: 2018-06-14. Review status: criteria provided, single submitter. Criteria: GeneDx Variant Classification (06012015). Collection method: clinical testing. Allele origin: germline. Affected: yes.
Comment: This variant is considered likely benign or benign based on one or more of the following criteria: it is a conservative change, it occurs at a poorly conserved position in the protein, it is predicted to be benign by multiple in silico algorithms, and/or has population frequency not consistent with disease.

Breakthrough Genomics
Classification: Likely benign. Review status: criteria provided, single submitter. Criteria: ACMG Guidelines, 2015. Collection method: not provided. Allele origin: germline. Inheritance: Autosomal dominant inheritance. Affected: yes.